The following is an entry in ClinVar:

NM_001367561.1(DOCK7):c.5938G>A (p.Val1980Ile)

Gene: DOCK7 (dedicator of cytokinesis 7; minus strand). Cytogenetic location: 1p31.3.
Variant type: single nucleotide variant.
Coding change: c.5938G>A on transcript NM_001367561.1 (MANE Select); coding-DNA position 5938, G replaced by A.
Protein change: p.Val1980Ile; replaces valine 1980 with isoleucine.
Molecular consequence: missense variant.
Genome position (GRCh38, 1-based): chr1:62,475,730, C>T on the plus strand (G>A on the coding strand, the complement: DOCK7 is on the minus strand). VCF-style: chr1-62475730-C-T. GRCh37 (hg19) VCF-style: chr1-62941401-C-T.
Other names: c.5905G>A, p.Val1969Ile (NM_001271999.2); c.5818G>A, p.Val1940Ile (NM_001272000.2); c.5812G>A, p.Val1938Ile (NM_001272001.2); c.5911G>A, p.Val1971Ile (NM_001330614.2); c.5845G>A, p.Val1949Ile (NM_033407.4); short protein forms V1980I, V1969I, V1971I, V1938I, V1949I, V1940I.
Identifiers: ClinVar variation 839472 (VCV000839472.8), dbSNP rs1645951316, ClinGen allele CA340602813.

ClinVar aggregate classification (germline): Uncertain significance (1 of 4 stars; one submission).

Conditions:
Developmental and epileptic encephalopathy, 23 (DEE23). Also called: Epileptic encephalopathy, early infantile, 23. Identifiers: Orphanet 411986, MedGen C4014492, MONDO:0014371, OMIM 615859.

Submission:

Labcorp Genetics (formerly Invitae), Labcorp
Classification: Uncertain significance for Developmental and epileptic encephalopathy, 23. Last evaluated: 2022-11-01. Review status: criteria provided, single submitter. Criteria: Invitae Variant Classification Sherloc (09022015). Collection method: clinical testing. Allele origin: germline.
Comment: In summary, the available evidence is currently insufficient to determine the role of this variant in disease. Therefore, it has been classified as a Variant of Uncertain Significance. Algorithms developed to predict the effect of missense changes on protein structure and function output the following: SIFT: "Tolerated"; PolyPhen-2: "Benign"; Align-GVGD: "Class C0". The isoleucine amino acid residue is found in multiple mammalian species, which suggests that this missense change does not adversely affect protein function. ClinVar contains an entry for this variant (Variation ID: 839472). This variant has not been reported in the literature in individuals affected with DOCK7-related conditions. This variant is not present in population databases (gnomAD no frequency). This sequence change replaces valine, which is neutral and non-polar, with isoleucine, which is neutral and non-polar, at codon 1969 of the DOCK7 protein (p.Val1969Ile).